The following is an entry in ClinVar:

NM_003072.5(SMARCA4):c.111C>T (p.Gly37=)

Gene: SMARCA4 (SWI/SNF related BAF chromatin remodeling complex subunit ATPase 4; plus strand). Cytogenetic location: 19p13.2.
Variant type: single nucleotide variant.
Coding change: c.111C>T on transcript NM_003072.5 (MANE Select); coding-DNA position 111, C replaced by T.
Protein change: p.Gly37=; no amino-acid change (glycine 37 retained).
Molecular consequence: synonymous variant. On other transcripts: non-coding transcript variant (1).
Genome position (GRCh38, 1-based): chr19:10,984,262, C>T. VCF-style: chr19-10984262-C-T. GRCh37 (hg19) VCF-style: chr19-11094938-C-T.
Other names: c.111C>T, p.Gly37= (NM_001128844.3, NM_001128845.2, NM_001128846.2 and 4 more transcripts).
Identifiers: ClinVar variation 799635 (VCV000799635.12), dbSNP rs1599929306, ClinGen allele CA505487224.

ClinVar aggregate classification (germline): Benign/Likely benign. Review status: criteria provided, multiple submitters, no conflicts (2 of 4 stars). 3 submissions from 3 submitters: Benign (1); Likely benign (2). Last evaluated 2026-07-08.

Conditions:
Hereditary cancer-predisposing syndrome. Also called: Hereditary neoplastic syndrome; Neoplastic Syndromes, Hereditary; Tumor predisposition; Hereditary Cancer Syndrome. Identifiers: Orphanet 140162, MedGen C0027672, MeSH D009386, MONDO:0015356.
Rhabdoid tumor predisposition syndrome 2 (RTPS2). Identifiers: Orphanet 231108, Orphanet 69077, MedGen C2750074, MONDO:0013224, OMIM 613325.

Allele frequency attached by ClinVar (database versions not stated): gnomAD exomes below 0.00001.
gnomAD v4.1: 1 of 1,611,718 alleles (0.000062%); highest among the groups gnomAD compares: Non-Finnish European, 0.000085%; no homozygotes.

Submissions (3):

Myriad Genetics, Inc.
Classification: Benign for Rhabdoid tumor predisposition syndrome 2. Last evaluated: 2026-07-08. Review status: criteria provided, single submitter. Criteria: Myriad Autosomal Dominant, Autosomal Recessive and X-Linked Classification Criteria (2023). Collection method: clinical testing. Allele origin: unknown.
Comment: This variant is considered benign. This variant is a silent/synonymous amino acid change and it is not expected to impact splicing.

Ambry Genetics
Classification: Likely benign for Hereditary cancer-predisposing syndrome. Last evaluated: 2023-12-17. Review status: criteria provided, single submitter. Criteria: Ambry Variant Classification Scheme 2023. Collection method: clinical testing. Allele origin: germline.

Labcorp Genetics (formerly Invitae), Labcorp
Classification: Likely benign for Rhabdoid tumor predisposition syndrome 2. Last evaluated: 2023-01-17. Review status: criteria provided, single submitter. Criteria: Invitae Variant Classification Sherloc (09022015). Collection method: clinical testing. Allele origin: germline.